The following is an entry in ClinVar:

ClinVar aggregate classification (germline): Uncertain significance (1 of 4 stars; one submission).

Allele frequency attached by ClinVar (database versions not stated): TOPMed 0.00002; gnomAD exomes 0.00001; gnomAD 0.00003; ESP Exome Variant Server 0.00008; ExAC 0.00002.
gnomAD v4.1: 23 of 1,613,496 alleles (0.0014%); highest among the groups gnomAD compares: Middle Eastern, 0.033%; no homozygotes.

Submission:

Labcorp Genetics (formerly Invitae), Labcorp
Classification: Uncertain significance. Last evaluated: 2025-04-10. Review status: criteria provided, single submitter. Criteria: Invitae Variant Classification Sherloc (09022015). Collection method: clinical testing. Allele origin: germline.
Comment: This sequence change replaces arginine, which is basic and polar, with cysteine, which is neutral and slightly polar, at codon 219 of the PPM1F protein (p.Arg219Cys). This variant is present in population databases (rs373955365, gnomAD 0.003%). This variant has not been reported in the literature in individuals affected with PPM1F-related conditions. ClinVar contains an entry for this variant (Variation ID: 2752417). An algorithm developed to predict the effect of missense changes on protein structure and function (PolyPhen-2) suggests that this variant is likely to be tolerated. In summary, the available evidence is currently insufficient to determine the role of this variant in disease. Therefore, it has been classified as a Variant of Uncertain Significance.

NM_014634.4(PPM1F):c.655C>T (p.Arg219Cys)

Gene: PPM1F (protein phosphatase, Mg2+/Mn2+ dependent 1F; minus strand). Cytogenetic location: 22q11.22.
Variant type: single nucleotide variant.
Coding change: c.655C>T on transcript NM_014634.4 (MANE Select); coding-DNA position 655, C replaced by T.
Protein change: p.Arg219Cys; replaces arginine 219 with cysteine.
Molecular consequence: missense variant.
Genome position (GRCh38, 1-based): chr22:21,933,483, G>A on the plus strand (C>T on the coding strand, the complement: PPM1F is on the minus strand). VCF-style: chr22-21933483-G-A. GRCh37 (hg19) VCF-style: chr22-22287855-G-A.
Other names: c.151C>T, p.Arg51Cys (NM_001410836.1); short protein forms R51C, R219C.
Identifiers: ClinVar variation 2752417 (VCV002752417.3), dbSNP rs373955365, ClinGen allele CA10125065.
Genomic context (GRCh38, chr22:21,933,483, plus strand): 5'-CGGTGCGCCGGAAGGCTTCTCTGAGGGCTCCCTCAGGGTCTGTGGGCAGCTCTGGCTGGC[G>A]GGCAGCGTTGGTGTGCACGTGGACAGCGGCGTACCTCGCAGCATCCACGCCTCCGTGACC-3'
Protein context (NP_055449.1, residues 209-229): AAVHVHTNAA[Arg219Cys]QPELPTDPEG